The following is an entry in ClinVar:

NM_001035.3(RYR2):c.2848G>T (p.Val950Leu)

Gene: RYR2 (ryanodine receptor 2; plus strand). Cytogenetic location: 1q43.
Variant type: single nucleotide variant.
Coding change: c.2848G>T on transcript NM_001035.3 (MANE Select); coding-DNA position 2848, G replaced by T.
Protein change: p.Val950Leu; replaces valine 950 with leucine.
Molecular consequence: missense variant.
Genome position (GRCh38, 1-based): chr1:237,530,452, G>T. VCF-style: chr1-237530452-G-T. GRCh37 (hg19) VCF-style: chr1-237693752-G-T.
Other names: p.V950L:GTG>TTG; c.2848G>T, p.Val950Leu (LRG_402t1); short protein forms V950L.
Identifiers: ClinVar variation 201233 (VCV000201233.11), dbSNP rs794728731, ClinGen allele CA008970.
Genomic context (GRCh38, chr1:237,530,452, plus strand): 5'-AAATGATCACACTTATCTCTGGTTTTGTTTTCCAGGACTTTGTTGGCATTAGGATGTCAT[G>T]TGGGTATATCAGATGAACATGCTGAAGACAAGGTGAAAAAAATGAAGCTACCCAAGAAGT-3'
Protein context (NP_001026.2, residues 940-960): LKTLLALGCH[Val950Leu]GISDEHAEDK

ClinVar aggregate classification (germline): Uncertain significance. Review status: criteria provided, multiple submitters, no conflicts (2 of 4 stars). 2 submissions from 2 submitters: Uncertain significance (2). Last evaluated 2022-03-18.

Conditions:
Catecholaminergic polymorphic ventricular tachycardia 1. Also called: RYR2-Related Catecholaminergic Polymorphic Ventricular Tachycardia; VENTRICULAR TACHYCARDIA, CATECHOLAMINERGIC POLYMORPHIC, 1, WITH OR WITHOUT ATRIAL DYSFUNCTION AND/OR DILATED CARDIOMYOPATHY; VENTRICULAR TACHYCARDIA, STRESS-INDUCED POLYMORPHIC 1. Identifiers: Orphanet 3286, MedGen C1631597, MONDO:0011484, OMIM 604772.

Allele frequency attached by ClinVar (database versions not stated): gnomAD exomes below 0.00001; TOPMed below 0.00001.
gnomAD v4.1: 3 of 1,609,276 alleles (0.00019%); highest among the groups gnomAD compares: Non-Finnish European, 0.00025%; no homozygotes.

Submissions (2):

Labcorp Genetics (formerly Invitae), Labcorp
Classification: Uncertain significance for Catecholaminergic polymorphic ventricular tachycardia 1. Last evaluated: 2022-03-18. Review status: criteria provided, single submitter. Criteria: Invitae Variant Classification Sherloc (09022015). Collection method: clinical testing. Allele origin: germline.
Comment: ClinVar contains an entry for this variant (Variation ID: 201233). Advanced modeling of protein sequence and biophysical properties (such as structural, functional, and spatial information, amino acid conservation, physicochemical variation, residue mobility, and thermodynamic stability) performed at Invitae indicates that this missense variant is not expected to disrupt RYR2 protein function. In summary, the available evidence is currently insufficient to determine the role of this variant in disease. Therefore, it has been classified as a Variant of Uncertain Significance. This variant has not been reported in the literature in individuals affected with RYR2-related conditions. This sequence change replaces valine, which is neutral and non-polar, with leucine, which is neutral and non-polar, at codon 950 of the RYR2 protein (p.Val950Leu). This variant is not present in population databases (gnomAD no frequency).

GeneDx
Classification: Uncertain significance. Last evaluated: 2014-04-14. Review status: criteria provided, single submitter. Criteria: GeneDx Variant Classification (06012015). Collection method: clinical testing. Allele origin: germline. Affected: yes.
Comment: p.Val950Leu (GTG>TTG): c.2848 G>T in exon 25 of the RYR2 gene (NM_001035.2). Approximately 50% of patients with autosomal dominant CPVT have been reported to have a mutation in the RYR2 gene, while mutations in the RYR2 gene associated with ARVC are rare (McNally E et al., 2009; Napolitano C et al., 2012). The V950L variant has not been published as a mutation or reported as a benign polymorphism to our knowledge. The V950L variant is a conservative amino acid substitution, which is not likely to impact secondary protein structure as these residues share similar properties. In silico analysis predicts this variant likely does not alter the protein structure/function. Missense mutations in nearby residues have not been reported in association with RYR2-related phenotype, and the V950L variant does not occur in any of the RYR2 mutation hot spots" (Medeiros-Domingo A et al., 2009). However, this substitution occurs at a position that is conserved across species. Furthermore, the V950L variant was not observed in approximately 6,000 individuals of European and African American ancestry in the NHLBI Exome Sequencing Project, indicating it is not a common benign variant in these populations. Therefore, based on the currently available information, it is unclear whether this variant is a pathogenic mutation or a rare benign variant. The variant is found in CARDIOMYOPATHY panel(s)."